The following continues an entry in ClinVar:

NM_000785.4(CYP27B1):c.1319_1325dup (p.Phe443fs)

Gene: CYP27B1. ClinVar aggregate classification (germline): Pathogenic. Pathogenic (16).

Submissions 14 to 20 of 20:

Ambry Genetics
Classification: Pathogenic for Inborn genetic diseases. Last evaluated: 2021-09-02. Review status: criteria provided, single submitter. Criteria: Ambry Variant Classification Scheme 2023. Collection method: clinical testing. Allele origin: germline.
Comment: The c.1319_1325dupCCCACCC (p.F443Pfs*24) alteration, located in coding exon 8 of the CYP27B1 gene, consists of a duplication of 7 nucleotides at position 1319, causing a translational frameshift with a predicted alternate stop codon after 24 amino acids. This alteration occurs at the 3' terminus of the CYP27B1 gene, is not expected to trigger nonsense-mediated mRNA decay, and only impacts the last 12.8% (65/508 amino acids) of the protein. However, premature stop codons are typically deleterious in nature and the impacted region is critical for protein function (Ambry internal data). The p.F443Pfs*24 alteration has been reported in both a homozygous and compound heterozygous state with other alterations in the CYP27B1 gene in several unrelated patients with vitamin D-dependent rickets (Wang, 1998; Durmaz, 2012; Ito, 2014; Dursun, 2019; Li, 2020). Based on the available evidence, this alteration is classified as pathogenic.

Eurofins Ntd Llc (ga)
Classification: Pathogenic. Last evaluated: 2018-01-19. Review status: criteria provided, single submitter. Criteria: EGL Classification Definitions 2015. Collection method: clinical testing. Allele origin: germline. Observed: 2 variant alleles, 2 heterozygotes.

Juno Genomics, Hangzhou Juno Genomics, Inc
Classification: Pathogenic for Vitamin D-dependent rickets, type 1A. Review status: criteria provided, single submitter. Criteria: ACMG Guidelines, 2015. Collection method: clinical testing. Allele origin: germline.
Comment: Absent from controls (or at extremely low frequency if recessive) in Genome Aggregation Database.;Null variant in a gene where loss of function (LOF) is a known mechanism of disease.;For recessive disorders, detected in trans with a pathogenic variant.;Patient's phenotype or family history is highly specific for a disease with a single genetic etiology.;Co-segregation with disease in multiple affected family members.

PreventionGenetics, part of Exact Sciences
Classification: Pathogenic for CYP27B1-related condition. Last evaluated: 2024-08-09. Review status: no assertion criteria provided. Collection method: clinical testing. Allele origin: germline. Not counted in ClinVar's aggregate classification.
Comment: The CYP27B1 c.1319_1325dup7 variant is predicted to result in a frameshift and premature protein termination (p.Phe443Profs*24). This variant in the compound heterozygous and homozygous conditions was repeatedly reported to be pathogenic for pseudo–vitamin D–deficiency rickets (see example: reported as c.1325-1326insCCCACCC, Ito et al. 2014. PubMed ID: 25296067; Durmaz. 2012. PubMed ID: 22443290). This variant is reported in 0.045% of alleles in individuals of East Asian descent in gnomAD. Frameshift variants in CYP27B1 are expected to be pathogenic. This variant is interpreted as pathogenic.

Biochemical Molecular Genetic Laboratory, King Abdulaziz Medical City
Classification: Pathogenic for Vitamin D-dependent rickets, type 1A. Last evaluated: 2020-02-05. Review status: no assertion criteria provided. Collection method: clinical testing. Allele origin: germline. Affected: yes. Not counted in ClinVar's aggregate classification.

OMIM
Classification: Pathogenic for VITAMIN D HYDROXYLATION-DEFICIENT RICKETS, TYPE 1A. Last evaluated: 1998-12-01. Review status: no assertion criteria provided. Collection method: literature only. Allele origin: germline. Not counted in ClinVar's aggregate classification.

Department of Pediatric Endocrinology, Shriners Hospitals for Children - Mexico City
No classification provided. Condition: Vitamin D-dependent rickets, type 1. Review status: no classification provided. Collection method: phenotyping only. Allele origin: germline. Inheritance: Autosomal recessive inheritance. Affected: yes. Observed: 1 variant allele. Not counted in ClinVar's aggregate classification.

Literature cited by the submitters: PubMed 9837822 (cited by 6 submitters); PubMed 22443290 (cited by 4 submitters); PubMed 25296067 (cited by Labcorp Genetics (formerly Invitae), Labcorp and Ambry Genetics); PubMed 33386952 (cited by Women's Health and Genetics/Laboratory Corporation of America, LabCorp); PubMed 30282619 (cited by Ambry Genetics); PubMed 33004071 (cited by Ambry Genetics).